The following is an entry in ClinVar:

ClinVar aggregate classification (germline): Uncertain significance (1 of 4 stars; one submission).

gnomAD v4.1: 2 of 1,603,922 alleles (0.00012%); highest among the groups gnomAD compares: Non-Finnish European, 0.00017%; no homozygotes.

Submission:

Labcorp Genetics (formerly Invitae), Labcorp
Classification: Uncertain significance. Last evaluated: 2025-06-06. Review status: criteria provided, single submitter. Criteria: Invitae Variant Classification Sherloc (09022015). Collection method: clinical testing. Allele origin: germline.
Comment: This sequence change replaces leucine, which is neutral and non-polar, with proline, which is neutral and non-polar, at codon 764 of the KCNH1 protein (p.Leu764Pro). This variant is present in population databases (rs755279000, gnomAD 0.0009%). This variant has not been reported in the literature in individuals affected with KCNH1-related conditions. Invitae Evidence Modeling of protein sequence and biophysical properties (such as structural, functional, and spatial information, amino acid conservation, physicochemical variation, residue mobility, and thermodynamic stability) has been performed for this missense variant. However, the output from this modeling did not meet the statistical confidence thresholds required to predict the impact of this variant on KCNH1 protein function. In summary, the available evidence is currently insufficient to determine the role of this variant in disease. Therefore, it has been classified as a Variant of Uncertain Significance.

NM_172362.3(KCNH1):c.2291T>C (p.Leu764Pro)

Gene: KCNH1 (potassium voltage-gated channel subfamily H member 1; minus strand). Cytogenetic location: 1q32.2.
Variant type: single nucleotide variant.
Coding change: c.2291T>C on transcript NM_172362.3 (MANE Select); coding-DNA position 2291, T replaced by C.
Protein change: p.Leu764Pro; replaces leucine 764 with proline.
Molecular consequence: missense variant.
Genome position (GRCh38, 1-based): chr1:210,683,960, A>G on the plus strand (T>C on the coding strand, the complement: KCNH1 is on the minus strand). VCF-style: chr1-210683960-A-G. GRCh37 (hg19) VCF-style: chr1-210857302-A-G.
Other names: c.2210T>C, p.Leu737Pro (NM_002238.4); short protein forms L737P, L764P.
Identifiers: ClinVar variation 4808763 (VCV004808763.1).